The following is an entry in ClinVar:

NM_000179.3(MSH6):c.2509C>T (p.His837Tyr)

Gene: MSH6 (mutS homolog 6; plus strand). Cytogenetic location: 2p16.3.
Variant type: single nucleotide variant.
Coding change: c.2509C>T on transcript NM_000179.3 (MANE Select); coding-DNA position 2509, C replaced by T.
Protein change: p.His837Tyr; replaces histidine 837 with tyrosine.
Molecular consequence: missense variant.
Genome position (GRCh38, 1-based): chr2:47,800,492, C>T. VCF-style: chr2-47800492-C-T. GRCh37 (hg19) VCF-style: chr2-48027631-C-T.
Other names: c.2119C>T, p.His707Tyr (NM_001281492.2); c.1603C>T, p.His535Tyr (NM_001281493.2, NM_001281494.2); short protein forms H837Y, H535Y, H707Y.
Identifiers: ClinVar variation 410406 (VCV000410406.14), dbSNP rs777593472, ClinGen allele CA069131.
Genomic context (GRCh38, chr2:47,800,492, plus strand): 5'-GATCTTGAGAGGCTACTCAGTAAAATTCATAATGTTGGGTCTCCCCTGAAGAGTCAGAAC[C>T]ACCCAGACAGCAGGGCTATAATGTATGAAGAAACTACATACAGCAAGAAGAAGATTATTG-3'
Protein context (NP_000170.1, residues 827-847): NVGSPLKSQN[His837Tyr]PDSRAIMYEE

ClinVar aggregate classification (germline): Uncertain significance. Review status: criteria provided, multiple submitters, no conflicts (2 of 4 stars). 3 submissions from 3 submitters: Uncertain significance (3). Last evaluated 2022-04-02.

Conditions:
Hereditary cancer-predisposing syndrome. Also called: Tumor predisposition; Hereditary Cancer Syndrome; Hereditary neoplastic syndrome; Neoplastic Syndromes, Hereditary. Identifiers: Orphanet 140162, MedGen C0027672, MeSH D009386, MONDO:0015356.
Hereditary nonpolyposis colorectal neoplasms. Identifiers: MedGen C0009405, MeSH D003123.

Allele frequency attached by ClinVar (database versions not stated): gnomAD exomes below 0.00001; TOPMed below 0.00001; ExAC 0.00001; gnomAD 0.00001.
gnomAD v4.1: 2 of 1,612,842 alleles (0.00012%); highest among the groups gnomAD compares: Non-Finnish European, 0.00017%; no homozygotes.

Submissions (3):

Ambry Genetics
Classification: Uncertain significance for Hereditary cancer-predisposing syndrome. Last evaluated: 2022-04-02. Review status: criteria provided, single submitter. Criteria: Ambry Variant Classification Scheme 2023. Collection method: clinical testing. Allele origin: germline.
Comment: The p.H837Y variant (also known as c.2509C>T), located in coding exon 4 of the MSH6 gene, results from a C to T substitution at nucleotide position 2509. The histidine at codon 837 is replaced by tyrosine, an amino acid with similar properties. This amino acid position is conserved. In addition, this alteration is predicted to be deleterious by in silico analysis. Since supporting evidence is limited at this time, the clinical significance of this alteration remains unclear.

Labcorp Genetics (formerly Invitae), Labcorp
Classification: Uncertain significance for Hereditary nonpolyposis colorectal neoplasms. Last evaluated: 2022-03-23. Review status: criteria provided, single submitter. Criteria: Invitae Variant Classification Sherloc (09022015). Collection method: clinical testing. Allele origin: germline.
Comment: In summary, the available evidence is currently insufficient to determine the role of this variant in disease. Therefore, it has been classified as a Variant of Uncertain Significance. Advanced modeling of protein sequence and biophysical properties (such as structural, functional, and spatial information, amino acid conservation, physicochemical variation, residue mobility, and thermodynamic stability) performed at Invitae indicates that this missense variant is expected to disrupt MSH6 protein function. ClinVar contains an entry for this variant (Variation ID: 410406). This variant has not been reported in the literature in individuals affected with MSH6-related conditions. This variant is present in population databases (rs777593472, gnomAD 0.0009%). This sequence change replaces histidine, which is basic and polar, with tyrosine, which is neutral and polar, at codon 837 of the MSH6 protein (p.His837Tyr).

Color Diagnostics, LLC DBA Color Health
Classification: Uncertain significance for Hereditary cancer-predisposing syndrome. Last evaluated: 2019-01-10. Review status: criteria provided, single submitter. Criteria: ACMG Guidelines, 2015. Collection method: clinical testing. Allele origin: germline.